The following is an entry in ClinVar:

NM_001376.5(DYNC1H1):c.1120A>G (p.Ile374Val)

Gene: DYNC1H1 (dynein cytoplasmic 1 heavy chain 1; plus strand). Cytogenetic location: 14q32.31.
Variant type: single nucleotide variant.
Coding change: c.1120A>G on transcript NM_001376.5 (MANE Select); coding-DNA position 1120, A replaced by G.
Protein change: p.Ile374Val; replaces isoleucine 374 with valine.
Molecular consequence: missense variant.
Genome position (GRCh38, 1-based): chr14:101,983,177, A>G. VCF-style: chr14-101983177-A-G. GRCh37 (hg19) VCF-style: chr14-102449514-A-G.
Other names: short protein forms I374V.
Identifiers: ClinVar variation 539752 (VCV000539752.49), dbSNP rs771355909, ClinGen allele CA7351641.

ClinVar aggregate classification (germline): Conflicting classifications of pathogenicity. Review status: criteria provided, conflicting classifications (1 of 4 stars). 3 submissions from 3 submitters: Uncertain significance (2); Likely benign (1). Last evaluated 2026-05-01.

Conditions:
Charcot-Marie-Tooth disease axonal type 2O. Also called: Charcot-Marie-Tooth Neuropathy Type 2O; CHARCOT-MARIE-TOOTH NEUROPATHY, AXONAL, TYPE 2O; CHARCOT-MARIE-TOOTH DISEASE, AXONAL, AUTOSOMAL DOMINANT, TYPE 2O; Charcot-Marie-Tooth disease, axonal, type 20. Identifiers: Orphanet 284232, MedGen C3280220, MONDO:0013644, OMIM 614228.

Allele frequency attached by ClinVar (database versions not stated): gnomAD 0.00001 and 0.00002; ExAC 0.00002; gnomAD exomes 0.00002; TOPMed 0.00003.
gnomAD v4.1: 29 of 1,614,114 alleles (0.0018%); highest among the groups gnomAD compares: Non-Finnish European, 0.0025%; no homozygotes.

Submissions (3):

CeGaT Center for Human Genetics Tuebingen
Classification: Uncertain significance. Last evaluated: 2026-05-01. Review status: criteria provided, single submitter. Criteria: CeGaT Center For Human Genetics Tuebingen Variant Classification Criteria Version 2. Collection method: clinical testing. Allele origin: germline. Affected: yes. Observed: 3 variant alleles.
Comment: DYNC1H1: PP2

Labcorp Genetics (formerly Invitae), Labcorp
Classification: Likely benign for Charcot-Marie-Tooth disease axonal type 2O. Last evaluated: 2024-05-22. Review status: criteria provided, single submitter. Criteria: Invitae Variant Classification Sherloc (09022015). Collection method: clinical testing. Allele origin: germline.

Institute of Human Genetics, Clinical Exome/Genome Diagnostics Group, University Hospital Bonn
Classification: Uncertain significance. Last evaluated: 2022-03-24. Review status: criteria provided, single submitter. Criteria: ACMG Guidelines, 2015. Collection method: clinical testing. Allele origin: germline. Affected: yes.
Comment: PP2